The following is an entry in ClinVar:

NM_000379.4(XDH):c.1970C>T (p.Ala657Val)

Gene: XDH (xanthine dehydrogenase; minus strand). Cytogenetic location: 2p23.1.
Variant type: single nucleotide variant.
Coding change: c.1970C>T on transcript NM_000379.4 (MANE Select); coding-DNA position 1970, C replaced by T.
Protein change: p.Ala657Val; replaces alanine 657 with valine.
Molecular consequence: missense variant.
Genome position (GRCh38, 1-based): chr2:31,370,365, G>A on the plus strand (C>T on the coding strand, the complement: XDH is on the minus strand). VCF-style: chr2-31370365-G-A. GRCh37 (hg19) VCF-style: chr2-31593231-G-A.
Other names: c.1970C>T (NM_000379.3); short protein forms A657V.
Identifiers: ClinVar variation 1500693 (VCV001500693.7), dbSNP rs143481133, ClinGen allele CA1599024.

ClinVar aggregate classification (germline): Uncertain significance. Review status: criteria provided, multiple submitters, no conflicts (2 of 4 stars). 4 submissions from 4 submitters: Uncertain significance (4). Last evaluated 2025-07-14.

Conditions:
Xanthinuria type II. Also called: Xanthine dehydrogenase and aldehyde oxidase combined deficiency of; XDH and AOX dual deficiency. Identifiers: Orphanet 3467, Orphanet 93602, MedGen C1863688, MONDO:0011346, OMIM 603592.
Inborn genetic diseases. Identifiers: MedGen C0950123, MeSH D030342.
Hereditary xanthinuria type 1 (XAN1). Identifiers: Orphanet 3467, Orphanet 93601, MedGen C0268118, MONDO:0010209, OMIM 278300.

Allele frequency attached by ClinVar (database versions not stated): TOPMed 0.00002; gnomAD 0.00004; ESP Exome Variant Server 0.00015.
gnomAD v4.1: 75 of 1,614,050 alleles (0.0046%); highest among the groups gnomAD compares: Admixed American, 0.02%; no homozygotes.

Submissions (4):

Ambry Genetics
Classification: Uncertain significance for Inborn genetic diseases. Last evaluated: 2025-07-14. Review status: criteria provided, single submitter. Criteria: Ambry Variant Classification Scheme 2023. Collection method: clinical testing. Allele origin: germline.

GeneDx
Classification: Uncertain significance. Last evaluated: 2025-06-24. Review status: criteria provided, single submitter. Criteria: GeneDx Variant Classification Process June 2021. Collection method: clinical testing. Allele origin: germline. Affected: yes.
Comment: In silico analysis suggests that this missense variant does not alter protein structure/function; Has not been previously published as pathogenic or benign to our knowledge

Fulgent Genetics
Classification: Uncertain significance for Hereditary xanthinuria type 1. Last evaluated: 2022-01-12. Review status: criteria provided, single submitter. Criteria: ACMG Guidelines, 2015. Collection method: clinical testing. Allele origin: unknown.

Labcorp Genetics (formerly Invitae), Labcorp
Classification: Uncertain significance for Xanthinuria type II. Last evaluated: 2021-11-12. Review status: criteria provided, single submitter. Criteria: Invitae Variant Classification Sherloc (09022015). Collection method: clinical testing. Allele origin: germline.
Comment: This sequence change replaces alanine, which is neutral and non-polar, with valine, which is neutral and non-polar, at codon 657 of the XDH protein (p.Ala657Val). This variant is present in population databases (rs143481133, gnomAD 0.02%). This variant has not been reported in the literature in individuals affected with XDH-related conditions. Algorithms developed to predict the effect of missense changes on protein structure and function are either unavailable or do not agree on the potential impact of this missense change (SIFT: "Tolerated"; PolyPhen-2: "Possibly Damaging"; Align-GVGD: "Class C0"). In summary, the available evidence is currently insufficient to determine the role of this variant in disease. Therefore, it has been classified as a Variant of Uncertain Significance.